The following is an entry in ClinVar:

NM_130810.4(DNAAF4):c.169A>G (p.Ile57Val)

Genes: DNAAF4 (dynein axonemal assembly factor 4; minus strand), DNAAF4-CCPG1 (DNAAF4-CCPG1 readthrough (NMD candidate); minus strand). Cytogenetic location: 15q21.3.
Variant type: single nucleotide variant.
Coding change: c.169A>G on transcript NM_130810.4 (MANE Select); coding-DNA position 169, A replaced by G.
Protein change: p.Ile57Val; replaces isoleucine 57 with valine.
Molecular consequence: missense variant. On other transcripts: non-coding transcript variant (1).
Genome position (GRCh38, 1-based): chr15:55,497,814, T>C on the plus strand (A>G on the coding strand, the complement: DNAAF4 is on the minus strand). VCF-style: chr15-55497814-T-C. GRCh37 (hg19) VCF-style: chr15-55790012-T-C.
Other names: c.169A>G, p.Ile57Val (NM_001033559.3, NM_001033560.2); short protein forms I57V.
Identifiers: ClinVar variation 3020321 (VCV003020321.2), dbSNP rs145868397, ClinGen allele CA7575114.

ClinVar aggregate classification (germline): Uncertain significance (1 of 4 stars; one submission).

Allele frequency attached by ClinVar (database versions not stated): ExAC 0.00005; TOPMed 0.00006; ESP Exome Variant Server 0.00008; gnomAD 0.00009.
gnomAD v4.1: 47 of 1,613,702 alleles (0.0029%); highest among the groups gnomAD compares: African/African-American, 0.029%; no homozygotes.

Submission:

Labcorp Genetics (formerly Invitae), Labcorp
Classification: Uncertain significance. Last evaluated: 2023-06-05. Review status: criteria provided, single submitter. Criteria: Invitae Variant Classification Sherloc (09022015). Collection method: clinical testing. Allele origin: germline.
Comment: This sequence change replaces isoleucine, which is neutral and non-polar, with valine, which is neutral and non-polar, at codon 57 of the DNAAF4 protein (p.Ile57Val). This variant is present in population databases (rs145868397, gnomAD 0.03%). This variant has not been reported in the literature in individuals affected with DNAAF4-related conditions. Advanced modeling of protein sequence and biophysical properties (such as structural, functional, and spatial information, amino acid conservation, physicochemical variation, residue mobility, and thermodynamic stability) performed at Invitae indicates that this missense variant is not expected to disrupt DNAAF4 protein function. In summary, the available evidence is currently insufficient to determine the role of this variant in disease. Therefore, it has been classified as a Variant of Uncertain Significance.